The following is an entry in ClinVar:

NM_004393.6(DAG1):c.1399T>C (p.Ser467Pro)

Gene: DAG1 (dystroglycan 1; plus strand). Cytogenetic location: 3p21.31.
Variant type: single nucleotide variant.
Coding change: c.1399T>C on transcript NM_004393.6 (MANE Select); coding-DNA position 1399, T replaced by C.
Protein change: p.Ser467Pro; replaces serine 467 with proline.
Molecular consequence: missense variant.
Genome position (GRCh38, 1-based): chr3:49,531,910, T>C. VCF-style: chr3-49531910-T-C. GRCh37 (hg19) VCF-style: chr3-49569343-T-C.
Other names: c.1399T>C, p.Ser467Pro (NM_001165928.4, NM_001177634.3, NM_001177635.3 and 9 more transcripts); short protein forms S467P.
Identifiers: ClinVar variation 1475876 (VCV001475876.5), dbSNP rs773540166, ClinGen allele CA2399076.

ClinVar aggregate classification (germline): Uncertain significance (1 of 4 stars; one submission).

Conditions:
Autosomal recessive limb-girdle muscular dystrophy type 2P. Also called: MUSCULAR DYSTROPHY-DYSTROGLYCANOPATHY, LIMB-GIRDLE, DAG1-RELATED; Limb-Girdle Muscular Dystrophy Type 9C; MUSCULAR DYSTROPHY, LIMB-GIRDLE, TYPE 2P. Identifiers: Orphanet 280333, MedGen C4511963, MONDO:0013440, OMIM 613818.
Muscular dystrophy-dystroglycanopathy (congenital with brain and eye anomalies), type A9. Also called: WALKER-WARBURG SYNDROME OR MUSCLE-EYE BRAIN DISEASE, DAG1-RELATED; Muscular dystrophy-dystroglycanopathy (congenital with brain and eye anomalies), type a, 9. Identifiers: Orphanet 370997, Orphanet 899, MedGen C4225291, MONDO:0014683, OMIM 616538.

Allele frequency attached by ClinVar (database versions not stated): gnomAD exomes below 0.00001; ExAC 0.00001.

Submission:

Labcorp Genetics (formerly Invitae), Labcorp
Classification: Uncertain significance for Autosomal recessive limb-girdle muscular dystrophy type 2P; Muscular dystrophy-dystroglycanopathy (congenital with brain and eye anomalies), type A9. Last evaluated: 2021-12-02. Review status: criteria provided, single submitter. Criteria: Invitae Variant Classification Sherloc (09022015). Collection method: clinical testing. Allele origin: germline.
Comment: This sequence change replaces serine, which is neutral and polar, with proline, which is neutral and non-polar, at codon 467 of the DAG1 protein (p.Ser467Pro). The frequency data for this variant in the population databases is considered unreliable, as metrics indicate poor data quality at this position in the gnomAD database. This variant has not been reported in the literature in individuals affected with DAG1-related conditions. Algorithms developed to predict the effect of missense changes on protein structure and function output the following: SIFT: "Tolerated"; PolyPhen-2: "Benign"; Align-GVGD: "Class C0". The proline amino acid residue is found in multiple mammalian species, which suggests that this missense change does not adversely affect protein function. In summary, the available evidence is currently insufficient to determine the role of this variant in disease. Therefore, it has been classified as a Variant of Uncertain Significance.